The following is an entry in ClinVar:

NM_001447.3(FAT2):c.12853G>C (p.Gly4285Arg)

Genes: FAT2 (FAT atypical cadherin 2; minus strand), SLC36A1 (solute carrier family 36 member 1; plus strand). Cytogenetic location: 5q33.1.
Variant type: single nucleotide variant.
Coding change: c.12853G>C on transcript NM_001447.3 (MANE Select); coding-DNA position 12853, G replaced by C.
Protein change: p.Gly4285Arg; replaces glycine 4285 with arginine.
Molecular consequence: missense variant.
Genome position (GRCh38, 1-based): chr5:151,505,762, C>G on the plus strand (G>C on the coding strand, the complement: FAT2 is on the minus strand). VCF-style: chr5-151505762-C-G. GRCh37 (hg19) VCF-style: chr5-150885323-C-G.
Other names: short protein forms G4285R.
Identifiers: ClinVar variation 2655947 (VCV002655947.24), dbSNP rs754295945, ClinGen allele CA3519662.

ClinVar aggregate classification (germline): Likely benign (1 of 4 stars; one submission).

gnomAD v4.1: 18 of 1,613,824 alleles (0.0011%); highest among the groups gnomAD compares: Admixed American, 0.0083%; no homozygotes.

Submission:

CeGaT Center for Human Genetics Tuebingen
Classification: Likely benign. Last evaluated: 2023-01-01. Review status: criteria provided, single submitter. Criteria: CeGaT Center For Human Genetics Tuebingen Variant Classification Criteria Version 2. Collection method: clinical testing. Allele origin: germline. Affected: yes. Observed: 1 variant allele.
Comment: FAT2: BP4